The following is an entry in ClinVar:

ClinVar aggregate classification (germline): Benign/Likely benign. Review status: criteria provided, multiple submitters, no conflicts (2 of 4 stars). 6 submissions from 4 submitters: Benign (4); Likely benign (2). Last evaluated 2017-04-27.

Conditions:
Joubert syndrome 6 (JBTS6). Identifiers: Orphanet 475, MedGen C1853153, MONDO:0012539, OMIM 610688.
Nephronophthisis 11 (NPHP11). Identifiers: Orphanet 84081, MedGen C3150796, MONDO:0013302, OMIM 613550.
Meckel syndrome, type 3 (MKS3). Also called: MECKEL-GRUBER SYNDROME, TYPE 3. Identifiers: Orphanet 564, MedGen C1846357, MONDO:0011821, OMIM 607361.

Allele frequency attached by ClinVar (database versions not stated): gnomAD exomes 0.00155 and 0.00418; gnomAD 0.01744 and 0.01629; ESP Exome Variant Server 0.01772; TOPMed 0.01892; 1000 Genomes Project 30x 0.01874; ExAC 0.00522; 1000 Genomes Project 0.01897.
gnomAD v4.1: 4,613 of 1,442,244 alleles (0.32%); highest among the groups gnomAD compares: African/African-American, 5.4%; 116 homozygotes.

Submissions (6):

Illumina Laboratory Services, Illumina
Classification: Benign for Joubert syndrome 6. Last evaluated: 2017-04-27. Review status: criteria provided, single submitter. Criteria: ICSL Variant Classification Criteria 13 December 2019. Collection method: clinical testing. Allele origin: germline.
Comment: This variant was observed as part of a predisposition screen in an ostensibly healthy population. A literature search was performed for the gene, cDNA change, and amino acid change (where applicable). No publications were found based on this search. Allele frequency data from public databases was too high to be consistent with this variant causing disease. Therefore, this variant is classified as benign.

Illumina Laboratory Services, Illumina
Classification: Benign for Nephronophthisis 11. Last evaluated: 2017-04-27. Review status: criteria provided, single submitter. Criteria: ICSL Variant Classification Criteria 13 December 2019. Collection method: clinical testing. Allele origin: germline.
Comment: the same text as in the submission from Illumina Laboratory Services, Illumina above.

Illumina Laboratory Services, Illumina
Classification: Likely benign for Meckel syndrome, type 3. Last evaluated: 2017-04-27. Review status: criteria provided, single submitter. Criteria: ICSL Variant Classification Criteria 13 December 2019. Collection method: clinical testing. Allele origin: germline.
Comment: This variant was observed as part of a predisposition screen in an ostensibly healthy population. A literature search was performed for the gene, cDNA change, and amino acid change (where applicable). No publications were found based on this search. Allele frequency data from public databases allowed determination this variant is unlikely to cause disease. Therefore, this variant is classified as likely benign.

GeneDx
Classification: Benign. Last evaluated: 2015-03-03. Review status: criteria provided, single submitter. Criteria: GeneDx Variant Classification Process June 2021. Collection method: clinical testing. Allele origin: germline. Affected: yes.

Breakthrough Genomics
Classification: Likely benign. Review status: criteria provided, single submitter. Criteria: ACMG Guidelines, 2015. Collection method: not provided. Allele origin: germline. Inheritance: Autosomal recessive inheritance. Affected: yes.

PreventionGenetics, part of Exact Sciences
Classification: Benign. Review status: criteria provided, single submitter. Criteria: ACMG Guidelines, 2015. Collection method: clinical testing. Allele origin: germline.

NM_153704.6(TMEM67):c.*19T>C

Gene: TMEM67 (transmembrane protein 67; plus strand). Cytogenetic location: 8q22.1.
Variant type: single nucleotide variant.
Coding change: c.*19T>C on transcript NM_153704.6 (MANE Select); 19 bases downstream of the stop codon, T replaced by C.
Molecular consequence: 3 prime UTR variant. On other transcripts: non-coding transcript variant (1).
Genome position (GRCh38, 1-based): chr8:93,816,471, T>C. VCF-style: chr8-93816471-T-C. GRCh37 (hg19) VCF-style: chr8-94828699-T-C.
Other names: c.*19T>C (NM_001142301.1).
Identifiers: ClinVar variation 262739 (VCV000262739.9), dbSNP rs55850117, ClinGen allele CA4808450.